The following is an entry in ClinVar:

NM_001034853.2(RPGR):c.394G>A (p.Val132Ile)

Gene: RPGR (retinitis pigmentosa GTPase regulator; minus strand). Cytogenetic location: Xp11.4.
Variant type: single nucleotide variant.
Coding change: c.394G>A on transcript NM_001034853.2 (MANE Select); coding-DNA position 394, G replaced by A.
Protein change: p.Val132Ile; replaces valine 132 with isoleucine.
Molecular consequence: missense variant. On other transcripts: non-coding transcript variant (6).
Genome position (GRCh38, 1-based): chrX:38,318,904, C>T on the plus strand (G>A on the coding strand, the complement: RPGR is on the minus strand). VCF-style: chrX-38318904-C-T. GRCh37 (hg19) VCF-style: chrX-38178157-C-T.
Other names: NM_001034853.2(RPGR):c.394G>A; p.Val132Ile; c.394G>A, p.Val132Ile (NM_000328.3, NM_001367245.1, NM_001367246.1 and 3 more transcripts); c.424G>A, p.Val142Ile (NM_001367248.1); c.391G>A, p.Val131Ile (NM_001367249.1); c.394G>A (NM_000328.2, NM_001034853.1); short protein forms V131I, V132I, V142I.
Identifiers: ClinVar variation 1164291 (VCV001164291.15), dbSNP rs768274240, ClinGen allele CA10385666.

ClinVar aggregate classification (germline): Benign. Review status: reviewed by expert panel (3 of 4 stars). 5 submissions from 5 submitters: Benign (1). 4 of the submissions do not count toward it. Last evaluated 2025-09-05.

Conditions:
RPGR-related retinopathy. Also called: RPGR retinopathy. Identifiers: MedGen CN305589, MONDO:0100437.
Primary ciliary dyskinesia. Also called: Ciliary dyskinesia. Identifiers: Orphanet 244, MedGen C0008780, MONDO:0016575, HP:0012265.
RPGR-related disorder. Also called: RPGR-related condition.

Allele frequency attached by ClinVar (database versions not stated): gnomAD exomes 0.00027 and 0.00014; gnomAD 0.00015 and 0.00016; TOPMed 0.00016; ExAC 0.00019.
gnomAD v4.1: 305 of 1,210,349 alleles (0.025%); highest among the groups gnomAD compares: Non-Finnish European, 0.033%; no homozygotes.

Submissions (5):

ClinGen X-linked Inherited Retinal Disease Variant Curation Expert Panel, ClinGen
Classification: Benign for RPGR-related retinopathy. Last evaluated: 2025-09-05. Review status: reviewed by expert panel. Criteria: ClinGen X LinkedIRD ACMG Specifications RPGR V1.0.0. Collection method: curation. Allele origin: germline. Inheritance: X-linked inheritance.
Comment: NM_001034853.2(RPGR):c.394G>A (p.Val132Ile) is a missense variant predicted to cause substitution of valine by isoleucine at amino acid 132. This variant is present in gnomAD v.4.1.0 at a frequency of 0.0002488 among hemizygous individuals, with 99 variant alleles / 397,905 total hemizygous alleles, which is higher than the ClinGen X-linked IRD VCEP BA1 threshold of >0.000005 (BA1). The computational predictor REVEL gives a score of 0.054, which is below the ClinGen X-linked IRD VCEP threshold of <0.183 and predicts a non-damaging effect on RPGR function. However, the splicing impact predictor SpliceAI gives a delta score of 0.12 for donor loss, which falls in the intermediate range above the ClinGen X-linked IRD VCEP recommended BP4 threshold of <0.1 but below the PP3 threshold of >0.2, so neither in silico code is met. In summary, this variant is classified as benign for RPGR-related retinopathy based on the ClinGen X-linked Inherited Retinal Disease Expert Panel Specifications to the ACMG/AMP Variant Interpretation Guidelines for RPGR Version 1.0.0; BA1.

Labcorp Genetics (formerly Invitae), Labcorp
Classification: Benign for Primary ciliary dyskinesia. Last evaluated: 2026-01-12. Review status: criteria provided, single submitter. Criteria: Invitae Variant Classification Sherloc (09022015). Collection method: clinical testing. Allele origin: germline. Not counted in ClinVar's aggregate classification.

Ambry Genetics
Classification: Likely benign for Primary ciliary dyskinesia. Last evaluated: 2023-09-20. Review status: criteria provided, single submitter. Criteria: Ambry Variant Classification Scheme 2023. Collection method: clinical testing. Allele origin: germline. Not counted in ClinVar's aggregate classification.

Blueprint Genetics
Classification: Likely benign. Last evaluated: 2022-08-19. Review status: criteria provided, single submitter. Criteria: ACMG Guidelines, 2015. Collection method: clinical testing. Allele origin: germline. Not counted in ClinVar's aggregate classification.

PreventionGenetics, part of Exact Sciences
Classification: Likely benign for RPGR-related condition. Last evaluated: 2024-02-05. Review status: no assertion criteria provided. Collection method: clinical testing. Allele origin: germline. Not counted in ClinVar's aggregate classification.
Comment: This variant is classified as likely benign based on ACMG/AMP sequence variant interpretation guidelines (Richards et al. 2015 PMID: 25741868, with internal and published modifications).